The following is an entry in ClinVar:

ClinVar aggregate classification (germline): Pathogenic (1 of 4 stars; one submission).

Conditions:
EGFR-related lung cancer (EGFR). Identifiers: MedGen CN130014.

Submission:

Labcorp Genetics (formerly Invitae), Labcorp
Classification: Pathogenic for EGFR-related lung cancer. Last evaluated: 2021-09-24. Review status: criteria provided, single submitter. Criteria: Invitae Variant Classification Sherloc (09022015). Collection method: clinical testing. Allele origin: germline.
Comment: For these reasons, this variant has been classified as Pathogenic. This variant has not been reported in the literature in individuals affected with EGFR-related conditions. This variant is not present in population databases (ExAC no frequency). This sequence change creates a premature translational stop signal (p.Tyr764Thrfs*2) in the EGFR gene. It is expected to result in an absent or disrupted protein product. Loss-of-function variants in EGFR are known to be pathogenic (PMID: 7630400, 28726809, 29899996).

Literature cited by the submitters: PubMed 7630400; PubMed 28726809; PubMed 29899996.

NM_005228.5(EGFR):c.2289del (p.Tyr764fs)

Genes: EGFR-AS1 (EGFR antisense RNA 1; minus strand), EGFR (epidermal growth factor receptor; plus strand). Cytogenetic location: 7p11.2.
Variant type: Deletion.
Coding change: c.2289del on transcript NM_005228.5 (MANE Select); coding-DNA position 2289, one base deleted (C; older notation c.2289delC).
Protein change: p.Tyr764fs; shifts the reading frame from tyrosine 764.
Molecular consequence: frameshift variant. On other transcripts: non-coding transcript variant (1).
Genome position (GRCh38, 1-based): chr7:55,181,298, C deleted; the last of 2 consecutive C bases (chr7:55,181,297-55,181,298); deleting either gives the same sequence. VCF-style (leftmost placement, unchanged base first): chr7-55181296-GC-G. GRCh37 (hg19) VCF-style: chr7-55248989-GC-G.
Other names: c.2154del, p.Tyr719fs (NM_001346897.2, NM_001346899.2); c.2289del, p.Tyr764fs (NM_001346898.2); c.2130del, p.Tyr711fs (NM_001346900.2); c.1488del, p.Tyr497fs (NM_001346941.2); short protein forms Y719fs, Y711fs, Y497fs, Y764fs.
Identifiers: ClinVar variation 1444704 (VCV001444704.6), dbSNP rs2128958231, ClinGen allele CA2573142219.